The following is an entry in ClinVar:

ClinVar aggregate classification (germline): Uncertain significance (1 of 4 stars; one submission).

Conditions:
Joubert syndrome. Also called: CEREBELLOPARENCHYMAL DISORDER IV; JOUBERT-BOLTSHAUSER SYNDROME; Familial aplasia of the vermis. Identifiers: Orphanet 475, MedGen C5979921, MONDO:0018772.
Meckel-Gruber syndrome. Also called: DYSENCEPHALIA SPLANCHNOCYSTICA; GRUBER SYNDROME; Dysencephalia splachnocystica. Identifiers: Orphanet 564, MedGen C0265215, MONDO:0018921.

Allele frequency attached by ClinVar (database versions not stated): ExAC 0.00001; gnomAD 0.00001; gnomAD exomes 0.00002; 1000 Genomes Project 30x 0.00016; 1000 Genomes Project 0.00020.
gnomAD v4.1: 22 of 1,450,786 alleles (0.0015%); highest among the groups gnomAD compares: East Asian, 0.0046%; 1 homozygote.

Submission:

Labcorp Genetics (formerly Invitae), Labcorp
Classification: Uncertain significance for Joubert syndrome; Meckel-Gruber syndrome. Last evaluated: 2022-05-04. Review status: criteria provided, single submitter. Criteria: Invitae Variant Classification Sherloc (09022015). Collection method: clinical testing. Allele origin: germline.
Comment: This sequence change falls in intron 19 of the RPGRIP1L gene. It does not directly change the encoded amino acid sequence of the RPGRIP1L protein. This variant is present in population databases (rs540344173, gnomAD 0.006%). This variant has not been reported in the literature in individuals affected with RPGRIP1L-related conditions. Algorithms developed to predict the effect of sequence changes on RNA splicing suggest that this variant may disrupt the consensus splice site. In summary, the available evidence is currently insufficient to determine the role of this variant in disease. Therefore, it has been classified as a Variant of Uncertain Significance.

NM_015272.5(RPGRIP1L):c.2959-5A>G

Gene: RPGRIP1L (RPGRIP1 like; minus strand). Cytogenetic location: 16q12.2.
Variant type: single nucleotide variant.
Coding change: c.2959-5A>G on transcript NM_015272.5 (MANE Select); 5 bases into the intron before coding-DNA position 2959, A replaced by G.
Molecular consequence: intron variant.
Genome position (GRCh38, 1-based): chr16:53,638,416, T>C on the plus strand (A>G on the coding strand, the complement: RPGRIP1L is on the minus strand). VCF-style: chr16-53638416-T-C. GRCh37 (hg19) VCF-style: chr16-53672328-T-C.
Other names: c.2959-562A>G (NM_001127897.4, NM_001330538.2); c.2959-5A>G (NM_001308334.3).
Identifiers: ClinVar variation 2140502 (VCV002140502.1), dbSNP rs540344173, ClinGen allele CA8057397.